The following is an entry in ClinVar:

NM_022367.4(SEMA4A):c.2014G>A (p.Ala672Thr)

Gene: SEMA4A (semaphorin 4A; plus strand). Cytogenetic location: 1q22.
Variant type: single nucleotide variant.
Coding change: c.2014G>A on transcript NM_022367.4 (MANE Select); coding-DNA position 2014, G replaced by A.
Protein change: p.Ala672Thr; replaces alanine 672 with threonine.
Molecular consequence: missense variant.
Genome position (GRCh38, 1-based): chr1:156,176,725, G>A. VCF-style: chr1-156176725-G-A. GRCh37 (hg19) VCF-style: chr1-156146516-G-A.
Other names: c.2014G>A, p.Ala672Thr (NM_001193300.2, NM_001193301.2, NM_001370567.1); c.1618G>A, p.Ala540Thr (NM_001193302.2); c.1717G>A, p.Ala573Thr (NM_001370568.1); c.1507G>A, p.Ala503Thr (NM_001370569.1, NM_001370571.1); short protein forms A672T, A540T, A503T, A573T.
Identifiers: ClinVar variation 1482854 (VCV001482854.8), dbSNP rs772158867, ClinGen allele CA1155505.

ClinVar aggregate classification (germline): Uncertain significance (1 of 4 stars; one submission).

Allele frequency attached by ClinVar (database versions not stated): gnomAD exomes below 0.00001 and 0.00001; ExAC 0.00001; gnomAD 0.00001; TOPMed 0.00001.
gnomAD v4.1: 11 of 1,613,190 alleles (0.00068%); highest among the groups gnomAD compares: South Asian, 0.0022%; 1 homozygote.

Submission:

Labcorp Genetics (formerly Invitae), Labcorp
Classification: Uncertain significance. Last evaluated: 2025-04-28. Review status: criteria provided, single submitter. Criteria: Invitae Variant Classification Sherloc (09022015). Collection method: clinical testing. Allele origin: germline.
Comment: This sequence change replaces alanine, which is neutral and non-polar, with threonine, which is neutral and polar, at codon 672 of the SEMA4A protein (p.Ala672Thr). This variant is present in population databases (rs772158867, gnomAD 0.002%). This variant has not been reported in the literature in individuals affected with SEMA4A-related conditions. ClinVar contains an entry for this variant (Variation ID: 1482854). An algorithm developed to predict the effect of missense changes on protein structure and function outputs the following: PolyPhen-2: "Benign". The threonine amino acid residue is found in multiple mammalian species, which suggests that this missense change does not adversely affect protein function. In summary, the available evidence is currently insufficient to determine the role of this variant in disease. Therefore, it has been classified as a Variant of Uncertain Significance.